The following is an entry in ClinVar:

ClinVar aggregate classification (germline): Uncertain significance (1 of 4 stars; one submission).

Submission:

Labcorp Genetics (formerly Invitae), Labcorp
Classification: Uncertain significance. Last evaluated: 2023-06-29. Review status: criteria provided, single submitter. Criteria: Invitae Variant Classification Sherloc (09022015). Collection method: clinical testing. Allele origin: germline.
Comment: In summary, the available evidence is currently insufficient to determine the role of this variant in disease. Therefore, it has been classified as a Variant of Uncertain Significance. Advanced modeling of protein sequence and biophysical properties (such as structural, functional, and spatial information, amino acid conservation, physicochemical variation, residue mobility, and thermodynamic stability) performed at Invitae indicates that this missense variant is not expected to disrupt FH protein function. This variant has not been reported in the literature in individuals affected with FH-related conditions. This variant is not present in population databases (gnomAD no frequency). This sequence change replaces alanine, which is neutral and non-polar, with serine, which is neutral and polar, at codon 217 of the FH protein (p.Ala217Ser).

NM_000143.4(FH):c.649G>T (p.Ala217Ser)

Gene: FH (fumarate hydratase; minus strand). Cytogenetic location: 1q43.
Variant type: single nucleotide variant.
Coding change: c.649G>T on transcript NM_000143.4 (MANE Select); coding-DNA position 649, G replaced by T.
Protein change: p.Ala217Ser; replaces alanine 217 with serine.
Molecular consequence: missense variant.
Genome position (GRCh38, 1-based): chr1:241,508,692, C>A on the plus strand (G>T on the coding strand, the complement: FH is on the minus strand). VCF-style: chr1-241508692-C-A. GRCh37 (hg19) VCF-style: chr1-241671992-C-A.
Other names: short protein forms A217S.
Identifiers: ClinVar variation 2732829 (VCV002732829.3), dbSNP rs1370459100, ClinGen allele CA345439314.